The following is an entry in ClinVar:

ClinVar aggregate classification (germline): Uncertain significance (1 of 4 stars; one submission).

Allele frequency attached by ClinVar (database versions not stated): gnomAD exomes below 0.00001.
gnomAD v4.1: 1 of 1,614,148 alleles (0.000062%); highest among the groups gnomAD compares: Non-Finnish European, 0.000085%; no homozygotes.

Submission:

GeneDx
Classification: Uncertain significance. Last evaluated: 2018-05-15. Review status: criteria provided, single submitter. Criteria: GeneDx Variant Classification (06012015). Collection method: clinical testing. Allele origin: germline. Affected: yes.
Comment: The V36M variant in the ARMC4 gene has not been reported previously as a pathogenic variant, nor as a benign variant, to our knowledge. The V36M variant is not observed in large population cohorts (Lek et al., 2016). The V36M variant is a conservative amino acid substitution, which is not likely to impact secondary protein structure as these residues share similar properties. In-silico analyses, including protein predictors and evolutionary conservation, support that this variant does not alter protein structure/function. We interpret V36M as a variant of uncertain significance.

NM_018076.5(ODAD2):c.106G>A (p.Val36Met)

Genes: ODAD2 (outer dynein arm docking complex subunit 2; minus strand), LOC126860891 (CDK7 strongly-dependent group 2 enhancer GRCh37_chr10:28283413-28284612; plus strand). Cytogenetic location: 10p12.1.
Variant type: single nucleotide variant.
Coding change: c.106G>A on transcript NM_018076.5 (MANE Select); coding-DNA position 106, G replaced by A.
Protein change: p.Val36Met; replaces valine 36 with methionine.
Molecular consequence: missense variant.
Genome position (GRCh38, 1-based): chr10:27,995,037, C>T on the plus strand (G>A on the coding strand, the complement: ODAD2 is on the minus strand). VCF-style: chr10-27995037-C-T. GRCh37 (hg19) VCF-style: chr10-28283966-C-T.
Other names: c.106G>A, p.Val36Met (NM_001290020.2); short protein forms V36M.
Identifiers: ClinVar variation 546213 (VCV000546213.2), dbSNP rs1554826498, ClinGen allele CA376398267.